The following is an entry in ClinVar:

ClinVar aggregate classification (germline): Uncertain significance (1 of 4 stars; one submission).

Submission:

GeneDx
Classification: Uncertain significance. Last evaluated: 2021-06-28. Review status: criteria provided, single submitter. Criteria: GeneDx Variant Classification Process June 2021. Collection method: clinical testing. Allele origin: germline. Affected: yes.
Comment: Not observed in large population cohorts (Lek et al., 2016); In silico analysis supports that this missense variant has a deleterious effect on protein structure/function; Has not been previously published as pathogenic or benign to our knowledge; This variant is associated with the following publications: (PMID: 27535533)

NM_001312909.2(FAM111A):c.1340A>G (p.Glu447Gly)

Gene: FAM111A (FAM111 trypsin like peptidase A; plus strand). Cytogenetic location: 11q12.1.
Variant type: single nucleotide variant.
Coding change: c.1340A>G on transcript NM_001312909.2 (MANE Select); coding-DNA position 1340, A replaced by G.
Protein change: p.Glu447Gly; replaces glutamic acid 447 with glycine.
Molecular consequence: missense variant.
Genome position (GRCh38, 1-based): chr11:59,153,008, A>G. VCF-style: chr11-59153008-A-G. GRCh37 (hg19) VCF-style: chr11-58920481-A-G.
Other names: c.1340A>G, p.Glu447Gly (NM_001142519.3, NM_001142520.3, NM_001142521.3 and 29 more transcripts); short protein forms E447G.
Identifiers: ClinVar variation 1313748 (VCV001313748.2), dbSNP rs2135487006, ClinGen allele CA380784027.